The following is an entry in ClinVar:

ClinVar aggregate classification (germline): Uncertain significance (1 of 4 stars; one submission).

Submission:

Greenwood Genetic Center Diagnostic Laboratories, Greenwood Genetic Center
Classification: Uncertain significance. Last evaluated: 2025-02-04. Review status: criteria provided, single submitter. Criteria: ACMG Guidelines, 2015. Collection method: clinical testing. Allele origin: germline.
Comment: PM2, BP4, PP2

NM_133433.4(NIPBL):c.2843G>C (p.Gly948Ala)

Gene: NIPBL (NIPBL cohesin loading factor; plus strand). Cytogenetic location: 5p13.2.
Variant type: single nucleotide variant.
Coding change: c.2843G>C on transcript NM_133433.4 (MANE Select); coding-DNA position 2843, G replaced by C.
Protein change: p.Gly948Ala; replaces glycine 948 with alanine.
Molecular consequence: missense variant.
Genome position (GRCh38, 1-based): chr5:36,986,023, G>C. VCF-style: chr5-36986023-G-C. GRCh37 (hg19) VCF-style: chr5-36986125-G-C.
Other names: c.2843G>C, p.Gly948Ala (NM_001438586.1, NM_015384.5); short protein forms G948A.
Identifiers: ClinVar variation 4851659 (VCV004851659.1).